The following is an entry in ClinVar:

NM_001001957.2(OR2W3):c.158C>T (p.Pro53Leu)

Gene: OR2W3 (olfactory receptor family 2 subfamily W member 3; plus strand). Cytogenetic location: 1q44.
Variant type: single nucleotide variant.
Coding change: c.158C>T on transcript NM_001001957.2 (MANE Select); coding-DNA position 158, C replaced by T.
Protein change: p.Pro53Leu; replaces proline 53 with leucine.
Molecular consequence: missense variant.
Genome position (GRCh38, 1-based): chr1:247,895,744, C>T. VCF-style: chr1-247895744-C-T. GRCh37 (hg19) VCF-style: chr1-248059046-C-T.
Other names: short protein forms P53L.
Identifiers: ClinVar variation 2333699 (VCV002333699.4), dbSNP rs762534461, ClinGen allele CA1498523.

ClinVar aggregate classification (germline): Uncertain significance. Review status: criteria provided, multiple submitters, no conflicts (2 of 4 stars). 2 submissions from 2 submitters: Uncertain significance (2). Last evaluated 2025-07-27.

Allele frequency attached by ClinVar (database versions not stated): gnomAD 0.00001; TOPMed 0.00001.

Submissions (2):

Labcorp Genetics (formerly Invitae), Labcorp
Classification: Uncertain significance. Last evaluated: 2025-07-27. Review status: criteria provided, single submitter. Criteria: Invitae Variant Classification Sherloc (09022015). Collection method: clinical testing. Allele origin: germline.
Comment: This sequence change replaces proline, which is neutral and non-polar, with leucine, which is neutral and non-polar, at codon 53 of the OR2W3 protein (p.Pro53Leu). This variant is present in population databases (rs762534461, gnomAD 0.003%). This variant has not been reported in the literature in individuals affected with OR2W3-related conditions. ClinVar contains an entry for this variant (Variation ID: 2333699). An algorithm developed to predict the effect of missense changes on protein structure and function (PolyPhen-2) suggests that this variant is likely to be tolerated. In summary, the available evidence is currently insufficient to determine the role of this variant in disease. Therefore, it has been classified as a Variant of Uncertain Significance.

Ambry Genetics
Classification: Uncertain significance. Last evaluated: 2025-05-19. Review status: criteria provided, single submitter. Criteria: Ambry Variant Classification Scheme 2023. Collection method: clinical testing. Allele origin: germline.